The following is an entry in ClinVar:

NM_000642.3(AGL):c.1718_1720dup (p.Ile573_Ser574insIle)

Gene: AGL (amylo-alpha-1,6-glucosidase and 4-alpha-glucanotransferase; plus strand). Cytogenetic location: 1p21.2.
Variant type: Duplication.
Coding change: c.1718_1720dup on transcript NM_000642.3 (MANE Select); coding-DNA positions 1718 to 1720, 3 bases duplicated (TTA; older notation c.1718_1720dupTTA).
Protein change: p.Ile573_Ser574insIle.
Molecular consequence: inframe insertion. On other transcripts: inframe indel (10).
Genome position (GRCh38, 1-based): chr1:99,880,029-99,880,031, TTA duplicated; duplicating any 3 consecutive bases within chr1:99,880,028-99,880,031 gives the same sequence; the c. name uses the placement nearest the transcript's 3' end. VCF-style (leftmost placement, unchanged base first): chr1-99880027-C-CATT. GRCh37 (hg19) VCF-style: chr1-100345583-C-CATT.
Other names: c.1718_1720dupTTA (NM_000642.2); c.1718_1720dup, p.Ile573_Ser574insIle (NM_000028.3, NM_000643.3, NM_000644.3 and 2 more transcripts); c.1670_1672dup, p.Ile557_Ser558insIle (NM_000646.3); c.1517_1519dup, p.Ile506_Ser507insIle (NM_001425327.1); c.1514_1516dup, p.Ile505_Ser506insIle (NM_001425328.1, NM_001425329.1); c.1340_1342dup, p.Ile447_Ser448insIle (NM_001425332.1).
Identifiers: ClinVar variation 456458 (VCV000456458.6), dbSNP rs1553186221, ClinGen allele CA658656949.

ClinVar aggregate classification (germline): Uncertain significance (1 of 4 stars; one submission).

Conditions:
Glycogen storage disease type III (GSD3). Also called: FORBES DISEASE; Cori disease. Identifiers: Orphanet 366, MedGen C0017922, MONDO:0009291, OMIM 232400.

Submission:

Labcorp Genetics (formerly Invitae), Labcorp
Classification: Uncertain significance for Glycogen storage disease type III. Last evaluated: 2024-07-21. Review status: criteria provided, single submitter. Criteria: Invitae Variant Classification Sherloc (09022015). Collection method: clinical testing. Allele origin: germline.
Comment: This variant, c.1718_1720dup, results in the insertion of 1 amino acid(s) of the AGL protein (p.Ile573dup), but otherwise preserves the integrity of the reading frame. This variant is not present in population databases (gnomAD no frequency). This variant has been observed in individual(s) with glycogen storage disease type III (Invitae). ClinVar contains an entry for this variant (Variation ID: 456458). Experimental studies and prediction algorithms are not available or were not evaluated, and the functional significance of this variant is currently unknown. In summary, the available evidence is currently insufficient to determine the role of this variant in disease. Therefore, it has been classified as a Variant of Uncertain Significance.